The following is an entry in ClinVar:

ClinVar aggregate classification (germline): Pathogenic (1 of 4 stars; one submission).

Conditions:
Menkes kinky-hair syndrome (MNK). Also called: Copper transport disease; Menkes Disease; Classic Menkes Disease. Identifiers: Orphanet 565, MedGen C0022716, MONDO:0010651, OMIM 309400.

Submission:

Institute of Human Genetics, University of Leipzig Medical Center
Classification: Pathogenic for Menkes kinky-hair syndrome. Last evaluated: 2025-03-04. Review status: criteria provided, single submitter. Criteria: ACMG Guidelines, 2015. Collection method: clinical testing. Allele origin: maternal. Inheritance: X-linked recessive inheritance. Affected: yes.
Comment: Criteria applied: PVS1,PM2

NM_000052.7(ATP7A):c.1174_1180del (p.Val392fs)

Gene: ATP7A (ATPase copper transporting alpha; plus strand). Cytogenetic location: Xq21.1.
Variant type: Deletion.
Coding change: c.1174_1180del on transcript NM_000052.7 (MANE Select); coding-DNA positions 1174 to 1180, 7 bases deleted (GTGCAGT; older notation c.1174_1180delGTGCAGT).
Protein change: p.Val392fs; shifts the reading frame from valine 392.
Molecular consequence: frameshift variant.
Genome position (GRCh38, 1-based): chrX:77,989,796-77,989,802, GTGCAGT deleted; deleting any 7 consecutive bases within chrX:77,989,794-77,989,802 gives the same sequence; the c. name uses the placement nearest the transcript's 3' end. VCF-style (leftmost placement, unchanged base first): chrX-77989793-TGTGTGCA-T. GRCh37 (hg19) VCF-style: chrX-77245289-TGTGTGCA-T.
Other names: c.1174_1180del, p.Val392fs (NM_001282224.2); short protein forms V392fs.
Identifiers: ClinVar variation 3773672 (VCV003773672.2).